The following is an entry in ClinVar:

NM_004380.3(CREBBP):c.6303C>T (p.Ile2101=)

Gene: CREBBP (CREB binding lysine acetyltransferase; minus strand). Cytogenetic location: 16p13.3.
Variant type: single nucleotide variant.
Coding change: c.6303C>T on transcript NM_004380.3 (MANE Select); coding-DNA position 6303, C replaced by T.
Protein change: p.Ile2101=; no amino-acid change (isoleucine 2101 retained).
Molecular consequence: synonymous variant.
Genome position (GRCh38, 1-based): chr16:3,728,744, G>A on the plus strand (C>T on the coding strand, the complement: CREBBP is on the minus strand). VCF-style: chr16-3728744-G-A. GRCh37 (hg19) VCF-style: chr16-3778745-G-A.
Other names: c.6189C>T, p.Ile2063= (NM_001079846.1); c.6303C>T (NM_004380.2).
Identifiers: ClinVar variation 2725603 (VCV002725603.4), dbSNP rs780441901, ClinGen allele CA7869147.
Genomic context (GRCh38, chr16:3,728,744, plus strand): 5'-GAGGCCAGGCTGGGGCTGCATGCCGGGCTGATTGGCCACGTACTTGGCTGTGCGCTGTTT[G>A]ATGAAAGCTGCCATTAGCTGCGGGTTTGATTTGAGAATGTTCAGCACCTGCTGTTGCTGC-3'
Protein context (NP_004371.2, residues 2091-2111): KSNPQLMAAF[Ile2101=]KQRTAKYVAN

ClinVar aggregate classification (germline): Likely benign. Review status: criteria provided, single submitter (1 of 4 stars). 2 submissions from 2 submitters: Likely benign (1). 1 of the submissions does not count toward it. Last evaluated 2025-06-01.

Conditions:
CREBBP-related disorder. Also called: CREBBP-related disorders; CREBBP-related condition.
Rubinstein-Taybi syndrome (RSTS). Identifiers: Orphanet 783, MedGen C0035934, MONDO:0019188.

Allele frequency attached by ClinVar (database versions not stated): TOPMed below 0.00001; gnomAD 0.00001; ExAC 0.00002.
gnomAD v4.1: 14 of 1,613,788 alleles (0.00087%); highest among the groups gnomAD compares: Admixed American, 0.013%; no homozygotes.

Submissions (2):

Labcorp Genetics (formerly Invitae), Labcorp
Classification: Likely benign for Rubinstein-Taybi syndrome. Last evaluated: 2025-06-01. Review status: criteria provided, single submitter. Criteria: Invitae Variant Classification Sherloc (09022015). Collection method: clinical testing. Allele origin: germline.

PreventionGenetics, part of Exact Sciences
Classification: Likely benign for CREBBP-related condition. Last evaluated: 2024-04-29. Review status: no assertion criteria provided. Collection method: clinical testing. Allele origin: germline. Not counted in ClinVar's aggregate classification.
Comment: This variant is classified as likely benign based on ACMG/AMP sequence variant interpretation guidelines (Richards et al. 2015 PMID: 25741868, with internal and published modifications).